The following is an entry in ClinVar:

ClinVar aggregate classification (germline): Benign/Likely benign. Review status: criteria provided, multiple submitters, no conflicts (2 of 4 stars). 16 submissions from 15 submitters: Benign (12); Likely benign (1). 3 of the submissions do not count toward it. Last evaluated 2026-02-04.

Conditions:
Autoinflammatory syndrome. Identifiers: Orphanet 93665, MedGen C3890737, MONDO:0019751.
Retinal dystrophy. Also called: Inherited retinal dystrophy. Identifiers: Orphanet 71862, MedGen C0854723, MeSH D058499, MONDO:0019118, HP:0000556.
Hyperimmunoglobulin D with periodic fever (HIDS). Also called: Hyperimmunoglobulinemia D; Hyperimmunoglobulinemia D with periodic fever; HYPERIMMUNOGLOBULINEMIA D AND PERIODIC FEVER SYNDROME. Identifiers: Orphanet 343, MedGen C0398691, MONDO:0009849, OMIM 260920.
Porokeratosis 3, disseminated superficial actinic type (POROK3). Also called: POROKERATOSIS 3, MULTIPLE TYPES; POROKERATOSIS 3, MIBELLI TYPE; POROKERATOSIS, DISSEMINATED SUPERFICIAL ACTINIC, 1. Identifiers: MedGen C1867981, MONDO:0008293, OMIM 175900.
Mevalonic aciduria (MEVA). Identifiers: Orphanet 29, MedGen C1959626, MONDO:0012481, OMIM 610377.

Allele frequency attached by ClinVar (database versions not stated): gnomAD exomes 0.16078; ExAC 0.16184; 1000 Genomes Project 0.16334; gnomAD 0.16987 and 0.17165; 1000 Genomes Project 30x 0.17083; TOPMed 0.17720; ESP Exome Variant Server 0.17761.
gnomAD v4.1: 277,986 of 1,614,050 alleles (17%); highest among the groups gnomAD compares: Middle Eastern, 20%; 24,479 homozygotes.

Submissions (16):

Labcorp Genetics (formerly Invitae), Labcorp
Classification: Benign for Mevalonic aciduria; Hyperimmunoglobulin D with periodic fever; Porokeratosis 3, disseminated superficial actinic type. Last evaluated: 2026-02-04. Review status: criteria provided, single submitter. Criteria: Invitae Variant Classification Sherloc (09022015). Collection method: clinical testing. Allele origin: germline.

Women's Health and Genetics/Laboratory Corporation of America, LabCorp
Classification: Benign. Last evaluated: 2026-01-21. Review status: criteria provided, single submitter. Criteria: LabCorp Variant Classification Summary - May 2015. Collection method: clinical testing. Allele origin: germline.

ARUP Laboratories, Molecular Genetics and Genomics, ARUP Laboratories
Classification: Benign. Last evaluated: 2025-07-29. Review status: criteria provided, single submitter. Criteria: ARUP Molecular Germline Variant Investigation Process 2024. Collection method: clinical testing. Allele origin: germline.

Blueprint Genetics
Classification: Likely benign. Last evaluated: 2024-11-27. Review status: criteria provided, single submitter. Criteria: ACMG Guidelines, 2015. Collection method: clinical testing. Allele origin: germline.

Unidad de Genómica Garrahan, Hospital de Pediatría Garrahan
Classification: Benign. Last evaluated: 2023-11-12. Review status: criteria provided, single submitter. Criteria: ACMG Guidelines, 2015. Collection method: clinical testing. Allele origin: germline. Affected: no. Observed: 20 variant alleles.
Comment: This variant is classified as Benign based on local population frequency. This variant was detected in 21% of patients studied by a panel of primary immunodeficiencies. Number of patients: 20. Only high quality variants are reported.

Dept Of Ophthalmology, Nagoya University
Classification: Benign for Retinal dystrophy. Last evaluated: 2023-10-01. Review status: criteria provided, single submitter. Criteria: Submitter's publication. Collection method: research. Allele origin: germline. Affected: yes.

Genome Diagnostics Laboratory, The Hospital for Sick Children
Classification: Benign for Autoinflammatory syndrome. Last evaluated: 2022-01-20. Review status: criteria provided, single submitter. Criteria: ACMG Guidelines, 2015. Collection method: clinical testing. Allele origin: germline. Affected: yes.

Mayo Clinic Laboratories, Mayo Clinic
Classification: Benign. Last evaluated: 2021-04-23. Review status: criteria provided, single submitter. Criteria: ACMG Guidelines, 2015. Collection method: clinical testing. Allele origin: germline. Observed: 640 variant alleles.

GeneDx
Classification: Benign. Last evaluated: 2019-01-16. Review status: criteria provided, single submitter. Criteria: GeneDx Variant Classification Process June 2021. Collection method: clinical testing. Allele origin: germline. Affected: yes.
Comment: This variant is associated with the following publications: (PMID: 19888504, 15536479, 27190114, 11313769)

Illumina Laboratory Services, Illumina
Classification: Benign for Mevalonic aciduria. Last evaluated: 2018-01-12. Review status: criteria provided, single submitter. Criteria: ICSL Variant Classification Criteria 13 December 2019. Collection method: clinical testing. Allele origin: germline.
Comment: This variant was observed in the ICSL laboratory as part of a predisposition screen in an ostensibly healthy population. It had not been previously curated by ICSL or reported in the Human Gene Mutation Database (HGMD: prior to June 1st, 2018), and was therefore a candidate for classification through an automated scoring system. Utilizing variant allele frequency, disease prevalence and penetrance estimates, and inheritance mode, an automated score was calculated to assess if this variant is too frequent to cause the disease. Based on the score and internal cut-off values, a variant classified as benign is not then subjected to further curation. The score for this variant resulted in a classification of benign for this disease.

Illumina Laboratory Services, Illumina
Classification: Benign for Hyperimmunoglobulin D with periodic fever. Last evaluated: 2018-01-12. Review status: criteria provided, single submitter. Criteria: ICSL Variant Classification Criteria 13 December 2019. Collection method: clinical testing. Allele origin: germline.
Comment: the same text as in the submission from Illumina Laboratory Services, Illumina above.

Breakthrough Genomics
Classification: Benign. Review status: criteria provided, single submitter. Criteria: ACMG Guidelines, 2015. Collection method: not provided. Allele origin: germline. Inheritance: Autosomal recessive inheritance. Affected: yes.

PreventionGenetics, part of Exact Sciences
Classification: Benign. Review status: criteria provided, single submitter. Criteria: ACMG Guidelines, 2015. Collection method: clinical testing. Allele origin: germline.

Genetic Services Laboratory, University of Chicago
Classification: Likely benign for AllHighlyPenetrant. Review status: no assertion criteria provided. Collection method: clinical testing. Allele origin: germline. Not counted in ClinVar's aggregate classification.
Comment: Likely benign based on allele frequency in 1000 Genomes Project or ESP global frequency and its presence in a patient with a rare or unrelated disease phenotype. NOT Sanger confirmed.

Genome Diagnostics Laboratory, University Medical Center Utrecht
Classification: Benign. Review status: no assertion criteria provided. Collection method: clinical testing. Allele origin: germline. Affected: yes. Study: VKGL Data-share Consensus. Not counted in ClinVar's aggregate classification.

Joint Genome Diagnostic Labs from Nijmegen and Maastricht, Radboudumc and MUMC+
Classification: Benign. Review status: no assertion criteria provided. Collection method: clinical testing. Allele origin: germline. Affected: yes. Study: VKGL Data-share Consensus. Not counted in ClinVar's aggregate classification.

NM_000431.4(MVK):c.510C>T (p.Asp170=)

Gene: MVK (mevalonate kinase; plus strand). Cytogenetic location: 12q24.11.
Variant type: single nucleotide variant.
Coding change: c.510C>T on transcript NM_000431.4 (MANE Select); coding-DNA position 510, C replaced by T.
Protein change: p.Asp170=; no amino-acid change (aspartic acid 170 retained).
Molecular consequence: synonymous variant. On other transcripts: intron variant (1).
Genome position (GRCh38, 1-based): chr12:109,581,533, C>T. VCF-style: chr12-109581533-C-T. GRCh37 (hg19) VCF-style: chr12-110019338-C-T.
Other names: p.Asp170=; c.510C>T (LRG_156t1); c.510C>T, p.Asp170= (NM_001114185.3); c.371+1587C>T (NM_001301182.2).
Identifiers: ClinVar variation 129640 (VCV000129640.48), dbSNP rs2287218, ClinGen allele CA153757.